The following is an entry in ClinVar:

ClinVar aggregate classification (germline): Uncertain significance (1 of 4 stars; one submission).

Conditions:
Gastrointestinal stromal tumor. Also called: Gastrointestinal stromal tumor, somatic; Gastrointestinal stroma tumor. Identifiers: Orphanet 44890, MedGen C0238198, MeSH D046152, MONDO:0011719, OMIM 606764, HP:0100723.

Allele frequency attached by ClinVar (database versions not stated): gnomAD exomes 0.00001.
gnomAD v4.1: 4 of 1,614,034 alleles (0.00025%); highest among the groups gnomAD compares: Non-Finnish European, 0.00034%; no homozygotes.

Submission:

Labcorp Genetics (formerly Invitae), Labcorp
Classification: Uncertain significance for Gastrointestinal stromal tumor. Last evaluated: 2024-01-24. Review status: criteria provided, single submitter. Criteria: Invitae Variant Classification Sherloc (09022015). Collection method: clinical testing. Allele origin: germline.
Comment: This sequence change replaces alanine, which is neutral and non-polar, with threonine, which is neutral and polar, at codon 616 of the KIT protein (p.Ala616Thr). This variant is not present in population databases (gnomAD no frequency). This missense change has been observed in individual(s) with piebaldism (PMID: 32220041). This variant is also known as c.1834G>A p.Ala612Thr. Algorithms developed to predict the effect of missense changes on protein structure and function output the following: SIFT: "Not Available"; PolyPhen-2: "Benign"; Align-GVGD: "Not Available". The threonine amino acid residue is found in multiple mammalian species, which suggests that this missense change does not adversely affect protein function. In summary, the available evidence is currently insufficient to determine the role of this variant in disease. Therefore, it has been classified as a Variant of Uncertain Significance.

Literature cited by the submitters: PubMed 32220041.

NM_000222.3(KIT):c.1846G>A (p.Ala616Thr)

Gene: KIT (KIT proto-oncogene, receptor tyrosine kinase; plus strand). Cytogenetic location: 4q12.
Variant type: single nucleotide variant.
Coding change: c.1846G>A on transcript NM_000222.3 (MANE Select); coding-DNA position 1846, G replaced by A.
Protein change: p.Ala616Thr; replaces alanine 616 with threonine.
Molecular consequence: missense variant.
Genome position (GRCh38, 1-based): chr4:54,727,894, G>A. VCF-style: chr4-54727894-G-A. GRCh37 (hg19) VCF-style: chr4-55594060-G-A.
Other names: c.1834G>A, p.Ala612Thr (NM_001093772.2, NM_001385286.1); c.1849G>A, p.Ala617Thr (NM_001385284.1, NM_001385290.1); c.1846G>A, p.Ala616Thr (NM_001385285.1); c.1837G>A, p.Ala613Thr (NM_001385288.1, NM_001385292.1); short protein forms A617T, A616T, A612T, A613T.
Identifiers: ClinVar variation 2710930 (VCV002710930.3), dbSNP rs2109779996, ClinGen allele CA356908155.
Genomic context (GRCh38, chr4:54,727,894, plus strand): 5'-GGTGCTGGAGCTTTCGGGAAGGTTGTTGAGGCAACTGCTTATGGCTTAATTAAGTCAGAT[G>A]CGGCCATGACTGTCGCTGTAAAGATGCTCAAGCGTAAGTTCCTGTATGGTACTGCATGCG-3'
Protein context (NP_000213.1, residues 606-626): ATAYGLIKSD[Ala616Thr]AMTVAVKMLK